The following is an entry in ClinVar:

NM_000203.5(IDUA):c.1475G>C (p.Arg492Pro)

Gene: IDUA (alpha-L-iduronidase; plus strand). Cytogenetic location: 4p16.3.
Variant type: single nucleotide variant.
Coding change: c.1475G>C on transcript NM_000203.5 (MANE Select); coding-DNA position 1475, G replaced by C.
Protein change: p.Arg492Pro; replaces arginine 492 with proline.
Molecular consequence: missense variant. On other transcripts: non-coding transcript variant (1).
Genome position (GRCh38, 1-based): chr4:1,003,108, G>C. VCF-style: chr4-1003108-G-C. GRCh37 (hg19) VCF-style: chr4-996896-G-C.
Other names: c.1079G>C, p.Arg360Pro (NM_001363576.1); c.1475G>C (NM_000203.4); short protein forms R492P, R360P.
Identifiers: ClinVar variation 11918 (VCV000011918.15), dbSNP rs121965026, ClinGen allele CA256120.

ClinVar aggregate classification (germline): Likely pathogenic. Review status: criteria provided, multiple submitters, no conflicts (2 of 4 stars). 5 submissions from 5 submitters: Likely pathogenic (4). 1 of the submissions does not count toward it. Last evaluated 2025-05-08.

Conditions:
Mucopolysaccharidosis type 1. Also called: Mucopolysaccharidosis Type I; IDUA deficiency; MPS I. Identifiers: Orphanet 579, MedGen C0023786, MONDO:0001586.
Mucopolysaccharidosis, MPS-I-S. Also called: MPS V; MUCOPOLYSACCHARIDOSIS TYPE V; Scheie Syndrome; MUCOPOLYSACCHARIDOSIS TYPE IS. Identifiers: Orphanet 93474, MedGen C0026708, MONDO:0011760, OMIM 607016.
Hurler syndrome. Also called: Severe MPS I (Hurler Syndrome); Gargoylism, Hurler Syndrome; MUCOPOLYSACCHARIDOSIS TYPE IH. Identifiers: Orphanet 93473, MedGen C0086795, MONDO:0011758, OMIM 607014.
Mucopolysaccharidosis, MPS-I-H/S. Also called: Mucopolysaccharidosis type IH/S. Identifiers: Orphanet 93476, MedGen C0086431, MONDO:0011759, OMIM 607015.

Submissions (5):

Labcorp Genetics (formerly Invitae), Labcorp
Classification: Likely pathogenic for Mucopolysaccharidosis type 1. Last evaluated: 2025-05-08. Review status: criteria provided, single submitter. Criteria: Invitae Variant Classification Sherloc (09022015). Collection method: clinical testing. Allele origin: germline.
Comment: This sequence change replaces arginine, which is basic and polar, with proline, which is neutral and non-polar, at codon 492 of the IDUA protein (p.Arg492Pro). This variant is not present in population databases (gnomAD no frequency). This missense change has been observed in individual(s) with Scheie syndrome (PMID: 7550232, 21394825). In at least one individual the data is consistent with being in trans (on the opposite chromosome) from a pathogenic variant. ClinVar contains an entry for this variant (Variation ID: 11918). Invitae Evidence Modeling of protein sequence and biophysical properties (such as structural, functional, and spatial information, amino acid conservation, physicochemical variation, residue mobility, and thermodynamic stability) indicates that this missense variant is expected to disrupt IDUA protein function with a positive predictive value of 80%. Experimental studies have shown that this missense change affects IDUA function (PMID: 7550232). In summary, the currently available evidence indicates that the variant is pathogenic, but additional data are needed to prove that conclusively. Therefore, this variant has been classified as Likely Pathogenic.

Revvity Omics, Revvity
Classification: Likely pathogenic. Last evaluated: 2024-08-26. Review status: criteria provided, single submitter. Criteria: ACMG Guidelines, 2015. Collection method: clinical testing. Allele origin: germline.

Women's Health and Genetics/Laboratory Corporation of America, LabCorp
Classification: Likely pathogenic for Mucopolysaccharidosis type 1. Last evaluated: 2023-08-30. Review status: criteria provided, single submitter. Criteria: LabCorp Variant Classification Summary - May 2015. Collection method: clinical testing. Allele origin: germline.
Comment: Variant summary: IDUA c.1475G>C (p.Arg492Pro) results in a non-conservative amino acid change in the encoded protein sequence. Four of five in-silico tools predict a damaging effect of the variant on protein function. The variant was absent in 146586 control chromosomes (gnomAD). c.1475G>C has been reported in the literature in individuals affected with Mucopolysaccharidosis Type 1 (examples: Tieu_1995, Bertola_2011, Minter_2018, Voskoboeva_2022). These data indicate that the variant may be associated with disease. At least one publication reports experimental evidence evaluating an impact on protein function. The most pronounced variant effect results in <10% of normal activity (examples: Tieu_1995). The following publications have been ascertained in the context of this evaluation (PMID: 21394825, 29120458, 7550232, 35141277). Two submitters have cited clinical-significance assessments for this variant to ClinVar after 2014. All submitters classified the variant as likely pathogenic. Based on the evidence outlined above, the variant was classified as likely pathogenic.

Juno Genomics, Hangzhou Juno Genomics, Inc
Classification: Likely pathogenic for Hurler syndrome; Mucopolysaccharidosis, MPS-I-H/S; Mucopolysaccharidosis, MPS-I-S. Review status: criteria provided, single submitter. Criteria: ACMG Guidelines, 2015. Collection method: clinical testing. Allele origin: germline. Affected: yes.
Comment: Absent from controls (or at extremely low frequency if recessive) in Genome Aggregation Database, Exome Sequencing Project, 1000 Genomes Project, or Exome Aggregation Consortium.;For recessive disorders, detected in trans with a pathogenic variant.;Patient's phenotype or family history is highly specific for a disease with a single genetic etiology.

OMIM
Classification: Pathogenic for SCHEIE SYNDROME. Last evaluated: 1995-01-01. Review status: no assertion criteria provided. Collection method: literature only. Allele origin: germline. Not counted in ClinVar's aggregate classification.

Literature cited by the submitters: PubMed 7550232 (cited by 3 submitters); PubMed 21394825 (cited by Labcorp Genetics (formerly Invitae), Labcorp and Women's Health and Genetics/Laboratory Corporation of America, LabCorp); PubMed 29120458 (cited by Women's Health and Genetics/Laboratory Corporation of America, LabCorp); PubMed 35141277 (cited by Women's Health and Genetics/Laboratory Corporation of America, LabCorp).